The following is an entry in ClinVar:

NM_005204.4(MAP3K8):c.262G>T (p.Ala88Ser)

Gene: MAP3K8 (mitogen-activated protein kinase kinase kinase 8; plus strand). Cytogenetic location: 10p11.23.
Variant type: single nucleotide variant.
Coding change: c.262G>T on transcript NM_005204.4 (MANE Select); coding-DNA position 262, G replaced by T.
Protein change: p.Ala88Ser; replaces alanine 88 with serine.
Molecular consequence: missense variant.
Genome position (GRCh38, 1-based): chr10:30,439,200, G>T. VCF-style: chr10-30439200-G-T. GRCh37 (hg19) VCF-style: chr10-30728129-G-T.
Other names: c.262G>T, p.Ala88Ser (NM_001244134.1, NM_001320961.2); short protein forms A88S.
Identifiers: ClinVar variation 4765697 (VCV004765697.1).

ClinVar aggregate classification (germline): Uncertain significance (1 of 4 stars; one submission).

Submission:

Labcorp Genetics (formerly Invitae), Labcorp
Classification: Uncertain significance. Last evaluated: 2025-06-11. Review status: criteria provided, single submitter. Criteria: Invitae Variant Classification Sherloc (09022015). Collection method: clinical testing. Allele origin: germline.
Comment: This sequence change replaces alanine, which is neutral and non-polar, with serine, which is neutral and polar, at codon 88 of the MAP3K8 protein (p.Ala88Ser). This variant is not present in population databases (gnomAD no frequency). This variant has not been reported in the literature in individuals affected with MAP3K8-related conditions. An algorithm developed to predict the effect of missense changes on protein structure and function (PolyPhen-2) suggests that this variant is likely to be disruptive. In summary, the available evidence is currently insufficient to determine the role of this variant in disease. Therefore, it has been classified as a Variant of Uncertain Significance.